The following is an entry in ClinVar:

ClinVar aggregate classification (germline): Pathogenic (1 of 4 stars; one submission).

Submission:

GeneDx
Classification: Pathogenic. Last evaluated: 2022-05-11. Review status: criteria provided, single submitter. Criteria: GeneDx Variant Classification Process June 2021. Collection method: clinical testing. Allele origin: germline. Affected: yes.
Comment: Identified in a patient with Marfan syndrome in the published literature (Soylen et al., 2009); Not observed at significant frequency in large population cohorts (gnomAD); Nonsense variant predicted to result in protein truncation or nonsense mediated decay in a gene for which loss of function is a known mechanism of disease; This variant is associated with the following publications: (PMID: 25525159, 19159394)

NM_000138.5(FBN1):c.7815T>A (p.Cys2605Ter)

Gene: FBN1 (fibrillin 1; minus strand). Cytogenetic location: 15q21.1.
Variant type: single nucleotide variant.
Coding change: c.7815T>A on transcript NM_000138.5 (MANE Select); coding-DNA position 7815, T replaced by A.
Protein change: p.Cys2605Ter; replaces cysteine 2605 with a stop codon.
Molecular consequence: nonsense.
Genome position (GRCh38, 1-based): chr15:48,420,691, A>T on the plus strand (T>A on the coding strand, the complement: FBN1 is on the minus strand). VCF-style: chr15-48420691-A-T. GRCh37 (hg19) VCF-style: chr15-48712888-A-T.
Other names: c.7815T>A, p.Cys2605Ter (NM_001406716.1); short protein forms C2605*.
Identifiers: ClinVar variation 1723821 (VCV001723821.2), dbSNP rs2505394817, ClinGen allele CA392324402.